The following is an entry in ClinVar:

ClinVar aggregate classification (germline): Uncertain significance (1 of 4 stars; one submission).

Conditions:
Cardiovascular phenotype. Identifiers: MedGen CN230736.

Submission:

Ambry Genetics
Classification: Uncertain significance for Cardiovascular phenotype. Last evaluated: 2023-04-17. Review status: criteria provided, single submitter. Criteria: Ambry Variant Classification Scheme 2023. Collection method: clinical testing. Allele origin: germline.
Comment: The p.L271V variant (also known as c.811C>G), located in coding exon 7 of the AKAP9 gene, results from a C to G substitution at nucleotide position 811. The leucine at codon 271 is replaced by valine, an amino acid with highly similar properties. This amino acid position is conserved. In addition, this alteration is predicted to be tolerated by in silico analysis. Since supporting evidence is limited at this time, the clinical significance of this alteration remains unclear.

NM_005751.5(AKAP9):c.811C>G (p.Leu271Val)

Genes: AKAP9 (A-kinase anchoring protein 9; plus strand), LOC129998789 (ATAC-STARR-seq lymphoblastoid silent region 18366; plus strand). Cytogenetic location: 7q21.2.
Variant type: single nucleotide variant.
Coding change: c.811C>G on transcript NM_005751.5 (MANE Select); coding-DNA position 811, C replaced by G.
Protein change: p.Leu271Val; replaces leucine 271 with valine.
Molecular consequence: missense variant.
Genome position (GRCh38, 1-based): chr7:91,995,681, C>G. VCF-style: chr7-91995681-C-G. GRCh37 (hg19) VCF-style: chr7-91624995-C-G.
Other names: c.811C>G, p.Leu271Val (NM_147185.3); short protein forms L271V.
Identifiers: ClinVar variation 2564470 (VCV002564470.2), dbSNP rs2484676376, ClinGen allele CA368120271.